The following is an entry in ClinVar:

NM_000059.4(BRCA2):c.7661G>C (p.Ser2554Thr)

Gene: BRCA2 (BRCA2 DNA repair associated; plus strand). Cytogenetic location: 13q13.1.
Variant type: single nucleotide variant.
Coding change: c.7661G>C on transcript NM_000059.4 (MANE Select); coding-DNA position 7661, G replaced by C.
Protein change: p.Ser2554Thr; replaces serine 2554 with threonine.
Molecular consequence: missense variant.
Genome position (GRCh38, 1-based): chr13:32,357,785, G>C. VCF-style: chr13-32357785-G-C. GRCh37 (hg19) VCF-style: chr13-32931922-G-C.
Other names: short protein forms S2554T.
Identifiers: ClinVar variation 1051818 (VCV001051818.11), dbSNP rs398122588, ClinGen allele CA387744991.

ClinVar aggregate classification (germline): Uncertain significance. Review status: criteria provided, multiple submitters, no conflicts (2 of 4 stars). 2 submissions from 2 submitters: Uncertain significance (2). Last evaluated 2024-04-15.

Conditions:
Hereditary cancer-predisposing syndrome. Also called: Tumor predisposition; Hereditary neoplastic syndrome; Hereditary Cancer Syndrome; Neoplastic Syndromes, Hereditary. Identifiers: Orphanet 140162, MedGen C0027672, MeSH D009386, MONDO:0015356.
Hereditary breast ovarian cancer syndrome. Also called: Hereditary breast and ovarian cancer syndrome; Hereditary breast and ovarian cancer; Hereditary breast and ovarian cancer syndrome (HBOC); BRCA1- and BRCA2-Associated Hereditary Breast and Ovarian Cancer; Hereditary breast and/or ovarian cancer syndrome; Breast and ovarian cancer. Identifiers: Orphanet 145, MedGen C0677776, MeSH D061325, MONDO:0003582. Disease mechanism: loss of function.

Submissions (2):

Labcorp Genetics (formerly Invitae), Labcorp
Classification: Uncertain significance for Hereditary breast ovarian cancer syndrome. Last evaluated: 2024-04-15. Review status: criteria provided, single submitter. Criteria: Invitae Variant Classification Sherloc (09022015). Collection method: clinical testing. Allele origin: germline.
Comment: This sequence change replaces serine, which is neutral and polar, with threonine, which is neutral and polar, at codon 2554 of the BRCA2 protein (p.Ser2554Thr). This variant is not present in population databases (gnomAD no frequency). This variant has not been reported in the literature in individuals affected with BRCA2-related conditions. ClinVar contains an entry for this variant (Variation ID: 1051818). Advanced modeling of protein sequence and biophysical properties (such as structural, functional, and spatial information, amino acid conservation, physicochemical variation, residue mobility, and thermodynamic stability) performed at Invitae indicates that this missense variant is not expected to disrupt BRCA2 protein function with a negative predictive value of 95%. In summary, the available evidence is currently insufficient to determine the role of this variant in disease. Therefore, it has been classified as a Variant of Uncertain Significance.

Ambry Genetics
Classification: Uncertain significance for Hereditary cancer-predisposing syndrome. Last evaluated: 2021-09-16. Review status: criteria provided, single submitter. Criteria: Ambry Variant Classification Scheme 2023. Collection method: clinical testing. Allele origin: germline.
Comment: The p.S2554T variant (also known as c.7661G>C), located in coding exon 15 of the BRCA2 gene, results from a G to C substitution at nucleotide position 7661. The serine at codon 2554 is replaced by threonine, an amino acid with similar properties. This amino acid position is highly conserved in available vertebrate species. In addition, the in silico prediction for this alteration is inconclusive. Since supporting evidence is limited at this time, the clinical significance of this alteration remains unclear.